The following is an entry in ClinVar:

NM_000702.4(ATP1A2):c.607A>C (p.Ile203Leu)

Genes: ATP1A2 (ATPase Na+/K+ transporting subunit alpha 2; plus strand), LOC126805890 (CDK7 strongly-dependent group 2 enhancer GRCh37_chr1:160093987-160095186; plus strand). Cytogenetic location: 1q23.2.
Variant type: single nucleotide variant.
Coding change: c.607A>C on transcript NM_000702.4 (MANE Select); coding-DNA position 607, A replaced by C.
Protein change: p.Ile203Leu; replaces isoleucine 203 with leucine.
Molecular consequence: missense variant.
Genome position (GRCh38, 1-based): chr1:160,124,407, A>C. VCF-style: chr1-160124407-A-C. GRCh37 (hg19) VCF-style: chr1-160094197-A-C.
Other names: short protein forms I203L.
Identifiers: ClinVar variation 644575 (VCV000644575.1), dbSNP rs1259959010, ClinGen allele CA343234048.
Genomic context (GRCh38, chr1:160,124,407, plus strand): 5'-GTGGTGGTGGGAGACCTGGTGGAGGTGAAGGGTGGAGACCGCGTCCCTGCTGACCTCCGG[A>C]TCATCTCTTCTCATGGCTGTAAGGTGAGGAGGTCATACCAGAGCAAGCAGTTGAGTCTAA-3'
Protein context (NP_000693.1, residues 193-213): GGDRVPADLR[Ile203Leu]ISSHGCKVDN

ClinVar aggregate classification (germline): Uncertain significance (1 of 4 stars; one submission).

Conditions:
Familial hemiplegic migraine. Identifiers: MedGen C0338484, MONDO:0000700.

Allele frequency attached by ClinVar (database versions not stated): gnomAD exomes below 0.00001.

Submission:

Labcorp Genetics (formerly Invitae), Labcorp
Classification: Uncertain significance for Familial hemiplegic migraine. Last evaluated: 2018-11-09. Review status: criteria provided, single submitter. Criteria: Invitae Variant Classification Sherloc (09022015). Collection method: clinical testing. Allele origin: germline.
Comment: This sequence change replaces isoleucine with leucine at codon 203 of the ATP1A2 protein (p.Ile203Leu). The isoleucine residue is highly conserved and there is a small physicochemical difference between isoleucine and leucine. This variant is not present in population databases (ExAC no frequency). This variant has been observed in one or more individuals who were not affected with ATP1A2-related disorders (Invitae). Algorithms developed to predict the effect of missense changes on protein structure and function are either unavailable or do not agree on the potential impact of this missense change (SIFT: "Deleterious"; PolyPhen-2: "Benign"; Align-GVGD: "Class C0"). In summary, the available evidence is currently insufficient to determine the role of this variant in disease. Therefore, it has been classified as a Variant of Uncertain Significance.